The following is an entry in ClinVar:

NM_004758.4(TSPOAP1):c.5421C>T (p.Asp1807=)

Gene: TSPOAP1 (TSPO associated protein 1; minus strand). Cytogenetic location: 17q22.
Variant type: single nucleotide variant.
Coding change: c.5421C>T on transcript NM_004758.4 (MANE Select); coding-DNA position 5421, C replaced by T.
Protein change: p.Asp1807=; no amino-acid change (aspartic acid 1807 retained).
Molecular consequence: synonymous variant.
Genome position (GRCh38, 1-based): chr17:58,305,399, G>A on the plus strand (C>T on the coding strand, the complement: TSPOAP1 is on the minus strand). VCF-style: chr17-58305399-G-A. GRCh37 (hg19) VCF-style: chr17-56382760-G-A.
Other names: c.5394C>T, p.Asp1798= (NM_001261835.2); c.5241C>T, p.Asp1747= (NM_024418.3).
Identifiers: ClinVar variation 4821426 (VCV004821426.4).
Genomic context (GRCh38, chr17:58,305,399, plus strand): 5'-AGTCTGGGGGGCTGGGATATGGTACACCCTCCCCAACAATGTTCTCACATAGTAGAAACC[G>A]TCATCGTCCATGCCCCCAAACACAGTAATGACATCCCCTGCCCGGAAGGGCAGCTCTGCC-3'
Protein context (NP_004749.2, residues 1797-1817): VITVFGGMDD[Asp1807=]GFYYGELNGQ

ClinVar aggregate classification (germline): Likely benign (1 of 4 stars; one submission).

gnomAD v4.1: 123 of 1,613,938 alleles (0.0076%); highest among the groups gnomAD compares: East Asian, 0.11%; no homozygotes.

Submission:

CeGaT Center for Human Genetics Tuebingen
Classification: Likely benign. Last evaluated: 2026-01-01. Review status: criteria provided, single submitter. Criteria: CeGaT Center For Human Genetics Tuebingen Variant Classification Criteria Version 2. Collection method: clinical testing. Allele origin: germline. Affected: yes. Observed: 1 variant allele.
Comment: TSPOAP1: BP4, BP7